The following is an entry in ClinVar:

NM_013314.4(BLNK):c.113+4A>T

Gene: BLNK (B cell linker; minus strand). Cytogenetic location: 10q24.1.
Variant type: single nucleotide variant.
Coding change: c.113+4A>T on transcript NM_013314.4 (MANE Select); 4 bases into the intron after coding-DNA position 113, A replaced by T.
Molecular consequence: intron variant.
Genome position (GRCh38, 1-based): chr10:96,246,980, T>A on the plus strand (A>T on the coding strand, the complement: BLNK is on the minus strand). VCF-style: chr10-96246980-T-A. GRCh37 (hg19) VCF-style: chr10-98006736-T-A.
Other names: c.113+4A>T (NM_001258442.2, NM_001258441.2, NM_001114094.2 and 1 more transcripts).
Identifiers: ClinVar variation 657415 (VCV000657415.6), dbSNP rs1554907782, ClinGen allele CA595372778.

ClinVar aggregate classification (germline): Uncertain significance (1 of 4 stars; one submission).

Conditions:
Agammaglobulinemia 4, autosomal recessive (AGM4). Also called: B cell linker protein deficiency; AGAMMAGLOBULINEMIA, AUTOSOMAL RECESSIVE, DUE TO BLNK DEFECT. Identifiers: MedGen C3150752, MONDO:0013289, OMIM 613502.

Allele frequency attached by ClinVar (database versions not stated): gnomAD exomes below 0.00001; gnomAD 0.00001; TOPMed below 0.00001.
gnomAD v4.1: 5 of 1,590,684 alleles (0.00031%); highest among the groups gnomAD compares: African/African-American, 0.0013%; no homozygotes.

Submission:

Labcorp Genetics (formerly Invitae), Labcorp
Classification: Uncertain significance for Agammaglobulinemia 4, autosomal recessive. Last evaluated: 2021-02-13. Review status: criteria provided, single submitter. Criteria: Invitae Variant Classification Sherloc (09022015). Collection method: clinical testing. Allele origin: germline.
Comment: This sequence change falls in intron 2 of the BLNK gene. It does not directly change the encoded amino acid sequence of the BLNK protein, but it affects a nucleotide within the consensus splice site of the intron. This variant is not present in population databases (ExAC no frequency). This variant has not been reported in the literature in individuals with BLNK-related conditions. Nucleotide substitutions within the consensus splice site are a relatively common cause of aberrant splicing (PMID: 17576681, 9536098). Algorithms developed to predict the effect of sequence changes on RNA splicing suggest that this variant may disrupt the consensus splice site, but this prediction has not been confirmed by published transcriptional studies. In summary, the available evidence is currently insufficient to determine the role of this variant in disease. Therefore, it has been classified as a Variant of Uncertain Significance.

Literature cited by the submitters: PubMed 17576681; PubMed 9536098.